The following is an entry in ClinVar:

Single allele

Gene: NBPF11 (NBPF member 11; minus strand). Cytogenetic location: 1q21.1.
Variant type: single nucleotide variant.
Identifiers: ClinVar variation 3898146 (VCV003898146.4).

ClinVar aggregate classification (germline): Likely benign (1 of 4 stars; one submission).

Submission:

CeGaT Center for Human Genetics Tuebingen
Classification: Likely benign. Last evaluated: 2026-03-01. Review status: criteria provided, single submitter. Criteria: CeGaT Center For Human Genetics Tuebingen Variant Classification Criteria Version 2. Collection method: clinical testing. Allele origin: germline. Affected: yes. Observed: 3 variant alleles.
Comment: NBPF11: PM2:Supporting, BP4, BP7; NBPF8: PM2:Supporting, BP4, BP7